The following is an entry in ClinVar:

ClinVar aggregate classification (germline): Uncertain significance (1 of 4 stars; one submission).

Submission:

GeneDx
Classification: Uncertain significance. Last evaluated: 2025-05-30. Review status: criteria provided, single submitter. Criteria: GeneDx Variant Classification Process June 2021. Collection method: clinical testing. Allele origin: germline. Affected: yes.
Comment: Not observed at significant frequency in large population cohorts (gnomAD); Has not been previously published as pathogenic or benign to our knowledge; Canonical splice site variant in a gene for which loss-of-function is not a known mechanism of disease

NM_002880.4(RAF1):c.423+1G>T

Gene: RAF1 (Raf-1 proto-oncogene, serine/threonine kinase; minus strand). Cytogenetic location: 3p25.2.
Variant type: single nucleotide variant.
Coding change: c.423+1G>T on transcript NM_002880.4 (MANE Select); the canonical splice donor site of the intron after coding-DNA position 423, G replaced by T.
Molecular consequence: splice donor variant.
Genome position (GRCh38, 1-based): chr3:12,609,232, C>A on the plus strand (G>T on the coding strand, the complement: RAF1 is on the minus strand). VCF-style: chr3-12609232-C-A. GRCh37 (hg19) VCF-style: chr3-12650731-C-A.
Other names: c.180+1G>T (NM_001354695.3, NM_001354692.3, NM_001354694.3 and 1 more transcripts); c.423+1G>T (NM_001354693.3, NM_001354689.3, NM_001354690.3).
Identifiers: ClinVar variation 4532695 (VCV004532695.1).